The following is an entry in ClinVar:

NM_014845.6(FIG4):c.592C>G (p.Gln198Glu)

Gene: FIG4 (FIG4 phosphoinositide 5-phosphatase; plus strand). Cytogenetic location: 6q21.
Variant type: single nucleotide variant.
Coding change: c.592C>G on transcript NM_014845.6 (MANE Select); coding-DNA position 592, C replaced by G.
Protein change: p.Gln198Glu; replaces glutamine 198 with glutamic acid.
Molecular consequence: missense variant.
Genome position (GRCh38, 1-based): chr6:109,735,244, C>G. VCF-style: chr6-109735244-C-G. GRCh37 (hg19) VCF-style: chr6-110056447-C-G.
Other names: short protein forms Q198E.
Identifiers: ClinVar variation 2061573 (VCV002061573.4), dbSNP rs745554323, ClinGen allele CA365219542.
Genomic context (GRCh38, chr6:109,735,244, plus strand): 5'-AATCTCACTGTCTTGCGAATGCCCCTGGAGATGTTAAAGTCAGAAATGACCCAGAATCGC[C>G]AAGAGAGCTTTGACATCTTTGAAGATGAAGGATTAATTACACAAGGTGGAAGCGGTAGGT-3'
Protein context (NP_055660.1, residues 188-208): MLKSEMTQNR[Gln198Glu]ESFDIFEDEG

ClinVar aggregate classification (germline): Uncertain significance (1 of 4 stars; one submission).

Conditions:
Charcot-Marie-Tooth disease type 4. Also called: Charcot-Marie-Tooth, Type 4; Charcot-Marie-Tooth disease, type IV. Identifiers: Orphanet 64749, MedGen C4082197, MONDO:0018995.

Submission:

Labcorp Genetics (formerly Invitae), Labcorp
Classification: Uncertain significance for Charcot-Marie-Tooth disease type 4. Last evaluated: 2022-06-27. Review status: criteria provided, single submitter. Criteria: Invitae Variant Classification Sherloc (09022015). Collection method: clinical testing. Allele origin: germline.
Comment: In summary, the available evidence is currently insufficient to determine the role of this variant in disease. Therefore, it has been classified as a Variant of Uncertain Significance. Algorithms developed to predict the effect of missense changes on protein structure and function (SIFT, PolyPhen-2, Align-GVGD) all suggest that this variant is likely to be tolerated. This variant has not been reported in the literature in individuals affected with FIG4-related conditions. This variant is not present in population databases (gnomAD no frequency). This sequence change replaces glutamine, which is neutral and polar, with glutamic acid, which is acidic and polar, at codon 198 of the FIG4 protein (p.Gln198Glu).